The following is an entry in ClinVar:

ClinVar aggregate classification (germline): Conflicting classifications of pathogenicity. Review status: criteria provided, conflicting classifications (1 of 4 stars). 8 submissions from 8 submitters: Uncertain significance (4); Likely benign (3). 1 of the submissions does not count toward it. Last evaluated 2025-12-22.

Conditions:
Hereditary breast ovarian cancer syndrome. Also called: Hereditary breast and ovarian cancer syndrome; Hereditary breast and ovarian cancer syndrome (HBOC); BRCA1- and BRCA2-Associated Hereditary Breast and Ovarian Cancer; Breast and ovarian cancer; Hereditary breast and ovarian cancer; Hereditary breast and/or ovarian cancer syndrome. Identifiers: Orphanet 145, MedGen C0677776, MeSH D061325, MONDO:0003582. Disease mechanism: loss of function.
Hereditary cancer-predisposing syndrome. Also called: Hereditary Cancer Syndrome; Hereditary neoplastic syndrome; Tumor predisposition; Neoplastic Syndromes, Hereditary. Identifiers: Orphanet 140162, MedGen C0027672, MeSH D009386, MONDO:0015356.
Breast-ovarian cancer, familial, susceptibility to, 1 (BROVCA1). Also called: OVARIAN CANCER, SUSCEPTIBILITY TO; BRCA1 Hereditary Breast and Ovarian Cancer. Identifiers: Orphanet 145, MedGen C2676676, MONDO:0011450, OMIM 604370. Disease mechanism: loss of function.

Allele frequency attached by ClinVar (database versions not stated): ExAC 0.00001; TOPMed 0.00003; ESP Exome Variant Server 0.00008.
gnomAD v4.1: 11 of 1,613,676 alleles (0.00068%); highest among the groups gnomAD compares: Non-Finnish European, 0.00093%; no homozygotes.

Submissions (8):

Labcorp Genetics (formerly Invitae), Labcorp
Classification: Likely benign for Hereditary breast ovarian cancer syndrome. Last evaluated: 2025-12-22. Review status: criteria provided, single submitter. Criteria: Invitae Variant Classification Sherloc (09022015). Collection method: clinical testing. Allele origin: germline.

Ambry Genetics
Classification: Uncertain significance for Hereditary cancer-predisposing syndrome. Last evaluated: 2025-10-07. Review status: criteria provided, single submitter. Criteria: Ambry Variant Classification Scheme 2023. Collection method: clinical testing. Allele origin: germline.
Comment: The p.Q1090H variant (also known as c.3270A>T), located in coding exon 9 of the BRCA1 gene, results from an A to T substitution at nucleotide position 3270. The glutamine at codon 1090 is replaced by histidine, an amino acid with highly similar properties. This amino acid position is highly conserved in available vertebrate species. In addition, the in silico prediction for this alteration is inconclusive. Based on the available evidence, the clinical significance of this variant remains unclear.

Molecular Pathology, Peter Maccallum Cancer Centre
Classification: Likely benign for Breast-ovarian cancer, familial, susceptibility to, 1. Last evaluated: 2024-08-08. Review status: criteria provided, single submitter. Criteria: ACMG Guidelines, 2015. Collection method: clinical testing. Allele origin: germline. Inheritance: Autosomal dominant inheritance.

University of Washington Department of Laboratory Medicine, University of Washington
Classification: Likely benign for Hereditary cancer-predisposing syndrome. Last evaluated: 2023-03-23. Review status: criteria provided, single submitter. Criteria: Dines et al. (Genet Med. 2020). Collection method: curation. Allele origin: germline.
Comment: Missense variant in a coldspot region where missense variants are very unlikely to be pathogenic (PMID:31911673).

BRCA1 coldspot (exon 11 using historical exon numbering). Reclassification based on statistical prior probability

Quest Diagnostics Nichols Institute San Juan Capistrano
Classification: Uncertain significance. Last evaluated: 2021-06-06. Review status: criteria provided, single submitter. Criteria: Quest Diagnostics criteria. Collection method: clinical testing. Allele origin: unknown.

Color Diagnostics, LLC DBA Color Health
Classification: Uncertain significance for Hereditary cancer-predisposing syndrome. Last evaluated: 2021-02-13. Review status: criteria provided, single submitter. Criteria: ACMG Guidelines, 2015. Collection method: clinical testing. Allele origin: germline.
Comment: This missense variant replaces glutamine with histidine at codon 1090 of the BRCA1 protein. Computational prediction is inconclusive regarding the impact of this variant on protein structure and function (internally defined REVEL score threshold 0.5 < inconclusive < 0.7, PMID: 27666373). To our knowledge, functional studies have not been reported for this variant. This variant has been identified in 3/281990 chromosomes in the general population by the Genome Aggregation Database (gnomAD). The available evidence is insufficient to determine the role of this variant in disease conclusively. Therefore, this variant is classified as a Variant of Uncertain Significance.

Women's Health and Genetics/Laboratory Corporation of America, LabCorp
Classification: Uncertain significance. Last evaluated: 2018-07-06. Review status: criteria provided, single submitter. Criteria: LabCorp Variant Classification Summary - May 2015. Collection method: clinical testing. Allele origin: germline.
Comment: Variant summary: BRCA1 c.3270A>T (p.Gln1090His) results in a non-conservative amino acid change in the encoded protein sequence. Four of five in-silico tools predict a damaging effect of the variant on protein function. The variant allele was found at a frequency of 1.2e-05 in 245324 control chromosomes (gnomAD). The available data on variant occurrences in the general population are insufficient to allow any conclusion about variant significance. To our knowledge, no occurrence of c.3270A>T in individuals affected with Hereditary Breast and Ovarian Cancer and no experimental evidence demonstrating its impact on protein function have been reported. Three clinical diagnostic laboratories have submitted clinical-significance assessments for this variant to ClinVar after 2014 without evidence for independent evaluation. All laboratories classified the variant as uncertain significance. Based on the evidence outlined above, the variant was classified as uncertain significance.

Sharing Clinical Reports Project (SCRP)
Classification: Likely benign for Breast-ovarian cancer, familial 1. Last evaluated: 2012-09-18. Review status: no assertion criteria provided. Collection method: clinical testing. Allele origin: germline. Not counted in ClinVar's aggregate classification.

NM_007294.4(BRCA1):c.3270A>T (p.Gln1090His)

Genes: BRCA1 (BRCA1 DNA repair associated; minus strand), LOC126862571 (BRD4-independent group 4 enhancer GRCh37_chr17:41243136-41244335; plus strand). Cytogenetic location: 17q21.31.
Variant type: single nucleotide variant.
Coding change: c.3270A>T on transcript NM_007294.4 (MANE Select); coding-DNA position 3270, A replaced by T.
Protein change: p.Gln1090His; replaces glutamine 1090 with histidine.
Molecular consequence: missense variant. On other transcripts: intron variant (137).
Genome position (GRCh38, 1-based): chr17:43,092,261, T>A on the plus strand (A>T on the coding strand, the complement: BRCA1 is on the minus strand). VCF-style: chr17-43092261-T-A. GRCh37 (hg19) VCF-style: chr17-41244278-T-A.
Other names: 3389A>T; c.3129A>T, p.Gln1043His (NM_001407697.1, NM_001407698.1, NM_001407724.1 and 29 more transcripts); c.3126A>T, p.Gln1042His (NM_001407740.1, NM_001407741.1, NM_001407742.1 and 20 more transcripts); c.3057A>T, p.Gln1019His (NM_001407853.1, NM_001407894.1, NM_001407895.1 and 9 more transcripts); c.3270A>T, p.Gln1090His (NM_001407854.1, NM_001407858.1, NM_001407859.1 and 30 more transcripts); c.3267A>T, p.Gln1089His (NM_001407860.1, NM_001407861.1, NM_001407587.1 and 22 more transcripts); c.3069A>T, p.Gln1023His (NM_001407862.1); c.3147A>T, p.Gln1049His (NM_001407863.1, NM_001407919.1, NM_001407937.1 and 19 more transcripts); and 42 more; short protein forms Q1090H, Q1043H, Q1019H, Q1002H, Q1020H, Q794H, Q962H, Q963H.
Identifiers: ClinVar variation 182153 (VCV000182153.29), dbSNP rs369925993, ClinGen allele CA002114.